The following is an entry in ClinVar:

ClinVar aggregate classification (germline): Likely benign (1 of 4 stars; one submission).

Submission:

GeneDx
Classification: Likely benign. Last evaluated: 2019-09-06. Review status: criteria provided, single submitter. Criteria: GeneDx Variant Classification Process June 2021. Collection method: clinical testing. Allele origin: germline. Affected: yes.
Comment: See Variant Classification Assertion Criteria.

NM_000540.3(RYR1):c.2578-277_2578-276insT

Gene: RYR1 (ryanodine receptor 1; plus strand). Cytogenetic location: 19q13.2.
Variant type: Insertion.
Coding change: c.2578-277_2578-276insT on transcript NM_000540.3 (MANE Select); 277 bases into the intron before coding-DNA position 2578 through 276 bases into the intron before coding-DNA position 2578, T inserted.
Molecular consequence: intron variant.
Genome position: GRCh38 VCF-style: chr19-38463146-C-CT. GRCh37 (hg19) VCF-style: chr19-38953786-C-CT.
Other names: c.2578-277_2578-276insT (NM_001042723.2).
Identifiers: ClinVar variation 1810683 (VCV001810683.1), dbSNP rs1568457782, ClinGen allele CA632865189.